The following is an entry in ClinVar:

ClinVar aggregate classification (germline): Uncertain significance (1 of 4 stars; one submission).

Conditions:
von Willebrand disease type 2 (VWD2). Also called: VON WILLEBRAND DISEASE, TYPE 2A/IIE; VON WILLEBRAND DISEASE, TYPE 2CB; VON WILLEBRAND DISEASE, TYPE II; VWD, TYPE 2. Identifiers: Orphanet 166081, Orphanet 903, MedGen C1264040, MONDO:0013304, OMIM 613554.

Submission:

Centre for Mendelian Genomics, University Medical Centre Ljubljana
Classification: Uncertain significance for von Willebrand disease type 2. Last evaluated: 2019-10-07. Review status: criteria provided, single submitter. Criteria: ACMG Guidelines, 2015. Collection method: clinical testing. Allele origin: unknown. Affected: yes.
Comment: This variant was classified as: Uncertain significance. The available evidence on this variant's pathogenicity is insufficient or conflicting. The following ACMG criteria were applied in classifying this variant: PM2,PP3.

NM_000552.5(VWF):c.2442+1G>A

Gene: VWF (von Willebrand factor; minus strand). Cytogenetic location: 12p13.31.
Variant type: single nucleotide variant.
Coding change: c.2442+1G>A on transcript NM_000552.5 (MANE Select); the canonical splice donor site of the intron after coding-DNA position 2442, G replaced by A.
Molecular consequence: splice donor variant.
Genome position (GRCh38, 1-based): chr12:6,044,290, C>T on the plus strand (G>A on the coding strand, the complement: VWF is on the minus strand). VCF-style: chr12-6044290-C-T. GRCh37 (hg19) VCF-style: chr12-6153456-C-T.
Identifiers: ClinVar variation 931546 (VCV000931546.3), dbSNP rs1944422617, ClinGen allele CA383521854.